The following is an entry in ClinVar:

ClinVar aggregate classification (germline): Uncertain significance (1 of 4 stars; one submission).

Conditions:
Charcot-Marie-Tooth disease axonal type 2V. Also called: CHARCOT-MARIE-TOOTH NEUROPATHY, TYPE 2V; CHARCOT-MARIE-TOOTH DISEASE, AXONAL, AUTOSOMAL DOMINANT, TYPE 2V. Identifiers: Orphanet 447964, MedGen C5569050, MONDO:0014665, OMIM 616491.
Mucopolysaccharidosis, MPS-III-B (MPS3B). Also called: MUCOPOLYSACCHARIDOSIS, TYPE IIIB; Mucopolysaccharidosis type IIIB (Sanfilippo B); N-ACETYL-ALPHA-D-GLUCOSAMINIDASE DEFICIENCY; NAGLU DEFICIENCY; SANFILIPPO SYNDROME B; MPS III B. Identifiers: Orphanet 79270, MedGen C0086648, MONDO:0009656, OMIM 252920.

gnomAD v4.1: 1 of 1,614,028 alleles (0.000062%); no homozygotes.

Submission:

Labcorp Genetics (formerly Invitae), Labcorp
Classification: Uncertain significance for Charcot-Marie-Tooth disease axonal type 2V; Mucopolysaccharidosis, MPS-III-B. Last evaluated: 2022-07-21. Review status: criteria provided, single submitter. Criteria: Invitae Variant Classification Sherloc (09022015). Collection method: clinical testing. Allele origin: germline.
Comment: This sequence change replaces methionine, which is neutral and non-polar, with valine, which is neutral and non-polar, at codon 317 of the NAGLU protein (p.Met317Val). This variant is not present in population databases (gnomAD no frequency). This variant has not been reported in the literature in individuals affected with NAGLU-related conditions. Advanced modeling of protein sequence and biophysical properties (such as structural, functional, and spatial information, amino acid conservation, physicochemical variation, residue mobility, and thermodynamic stability) performed at Invitae indicates that this missense variant is not expected to disrupt NAGLU protein function. In summary, the available evidence is currently insufficient to determine the role of this variant in disease. Therefore, it has been classified as a Variant of Uncertain Significance.

NM_000263.4(NAGLU):c.949A>G (p.Met317Val)

Gene: NAGLU (N-acetyl-alpha-glucosaminidase; plus strand). Cytogenetic location: 17q21.2.
Variant type: single nucleotide variant.
Coding change: c.949A>G on transcript NM_000263.4 (MANE Select); coding-DNA position 949, A replaced by G.
Protein change: p.Met317Val; replaces methionine 317 with valine.
Molecular consequence: missense variant.
Genome position (GRCh38, 1-based): chr17:42,541,134, A>G. VCF-style: chr17-42541134-A-G. GRCh37 (hg19) VCF-style: chr17-40693152-A-G.
Other names: short protein forms M317V.
Identifiers: ClinVar variation 1721299 (VCV001721299.3), dbSNP rs2510656598, ClinGen allele CA399600277.